The following is an entry in ClinVar:

ClinVar aggregate classification (germline): Likely pathogenic (1 of 4 stars; one submission).

Conditions:
Autosomal recessive limb-girdle muscular dystrophy type 2D (LGMDR3). Also called: ADHALINOPATHY, PRIMARY; DUCHENNE-LIKE AUTOSOMAL RECESSIVE MUSCULAR DYSTROPHY, TYPE 2; MUSCULAR DYSTROPHY, LIMB-GIRDLE, AUTOSOMAL RECESSIVE 3. Identifiers: Orphanet 62, MedGen C2936332, MONDO:0011968, OMIM 608099. Disease mechanism: Affects gamma-sarcoglycan and also disrupts the integrity of the entire sarcoglycan complex..

Submission:

Labcorp Genetics (formerly Invitae), Labcorp
Classification: Likely pathogenic for Autosomal recessive limb-girdle muscular dystrophy type 2D. Last evaluated: 2021-11-22. Review status: criteria provided, single submitter. Criteria: Invitae Variant Classification Sherloc (09022015). Collection method: clinical testing. Allele origin: germline.
Comment: In summary, the currently available evidence indicates that the variant is pathogenic, but additional data are needed to prove that conclusively. Therefore, this variant has been classified as Likely Pathogenic. Algorithms developed to predict the effect of sequence changes on RNA splicing suggest that this variant may disrupt the consensus splice site. This variant has not been reported in the literature in individuals affected with SGCA-related conditions. This variant is not present in population databases (gnomAD no frequency). This sequence change affects a donor splice site in intron 3 of the SGCA gene. It is expected to disrupt RNA splicing. Variants that disrupt the donor or acceptor splice site typically lead to a loss of protein function (PMID: 16199547), and loss-of-function variants in SGCA are known to be pathogenic (PMID: 9192266).

Literature cited by the submitters: PubMed 16199547; PubMed 9192266.

NM_000023.4(SGCA):c.312+1G>A

Gene: SGCA (sarcoglycan alpha; plus strand). Cytogenetic location: 17q21.33.
Variant type: single nucleotide variant.
Coding change: c.312+1G>A on transcript NM_000023.4 (MANE Select); the canonical splice donor site of the intron after coding-DNA position 312, G replaced by A.
Molecular consequence: splice donor variant.
Genome position (GRCh38, 1-based): chr17:50,167,737, G>A. VCF-style: chr17-50167737-G-A. GRCh37 (hg19) VCF-style: chr17-48245098-G-A.
Other names: c.312+1G>A (NM_001135697.3).
Identifiers: ClinVar variation 1347712 (VCV001347712.6), dbSNP rs2144494642, ClinGen allele CA400178041.